The following is an entry in ClinVar:

ClinVar aggregate classification (germline): Uncertain significance (1 of 4 stars; one submission).

Allele frequency attached by ClinVar (database versions not stated): gnomAD exomes 0.00001 and 0.00002; gnomAD 0.00002; ExAC 0.00003; TOPMed 0.00004.
gnomAD v4.1: 19 of 1,609,676 alleles (0.0012%); highest among the groups gnomAD compares: Admixed American, 0.02%; no homozygotes.

Submission:

Labcorp Genetics (formerly Invitae), Labcorp
Classification: Uncertain significance. Last evaluated: 2022-10-05. Review status: criteria provided, single submitter. Criteria: Invitae Variant Classification Sherloc (09022015). Collection method: clinical testing. Allele origin: germline.
Comment: This sequence change replaces asparagine, which is neutral and polar, with serine, which is neutral and polar, at codon 694 of the LRPPRC protein (p.Asn694Ser). This variant is present in population databases (rs759162853, gnomAD 0.02%). This variant has not been reported in the literature in individuals affected with LRPPRC-related conditions. ClinVar contains an entry for this variant (Variation ID: 1522457). Algorithms developed to predict the effect of missense changes on protein structure and function are either unavailable or do not agree on the potential impact of this missense change (SIFT: "Deleterious"; PolyPhen-2: "Probably Damaging"; Align-GVGD: "Class C0"). Algorithms developed to predict the effect of sequence changes on RNA splicing suggest that this variant may create or strengthen a splice site. In summary, the available evidence is currently insufficient to determine the role of this variant in disease. Therefore, it has been classified as a Variant of Uncertain Significance.

NM_133259.4(LRPPRC):c.2081A>G (p.Asn694Ser)

Gene: LRPPRC (leucine rich pentatricopeptide repeat containing; minus strand). Cytogenetic location: 2p21.
Variant type: single nucleotide variant.
Coding change: c.2081A>G on transcript NM_133259.4 (MANE Select); coding-DNA position 2081, A replaced by G.
Protein change: p.Asn694Ser; replaces asparagine 694 with serine.
Molecular consequence: missense variant.
Genome position (GRCh38, 1-based): chr2:43,946,242, T>C on the plus strand (A>G on the coding strand, the complement: LRPPRC is on the minus strand). VCF-style: chr2-43946242-T-C. GRCh37 (hg19) VCF-style: chr2-44173381-T-C.
Other names: short protein forms N694S.
Identifiers: ClinVar variation 1522457 (VCV001522457.3), dbSNP rs759162853, ClinGen allele CA1638590.